The following is an entry in ClinVar:

ClinVar aggregate classification (germline): Uncertain significance (1 of 4 stars; one submission).

gnomAD v4.1: 10 of 1,604,186 alleles (0.00062%); highest among the groups gnomAD compares: Non-Finnish European, 0.00085%; no homozygotes.

Submission:

GeneDx
Classification: Uncertain significance. Last evaluated: 2024-12-07. Review status: criteria provided, single submitter. Criteria: GeneDx Variant Classification Process June 2021. Collection method: clinical testing. Allele origin: germline. Affected: yes.
Comment: Not observed at significant frequency in large population cohorts (gnomAD); In silico analysis indicates that this missense variant does not alter protein structure/function; Has not been previously published as pathogenic or benign to our knowledge

NM_006922.4(SCN3A):c.2422G>A (p.Val808Ile)

Gene: SCN3A (sodium voltage-gated channel alpha subunit 3; minus strand). Cytogenetic location: 2q24.3.
Variant type: single nucleotide variant.
Coding change: c.2422G>A on transcript NM_006922.4 (MANE Select); coding-DNA position 2422, G replaced by A.
Protein change: p.Val808Ile; replaces valine 808 with isoleucine.
Molecular consequence: missense variant.
Genome position (GRCh38, 1-based): chr2:165,131,387, C>T on the plus strand (G>A on the coding strand, the complement: SCN3A is on the minus strand). VCF-style: chr2-165131387-C-T. GRCh37 (hg19) VCF-style: chr2-165987897-C-T.
Other names: c.2275G>A, p.Val759Ile (NM_001081676.2, NM_001081677.2); short protein forms V759I, V808I.
Identifiers: ClinVar variation 3903416 (VCV003903416.1).
Genomic context (GRCh38, chr2:165,131,387, plus strand): 5'-CAAAGATATTCCAGCCTTCTTGGAAATAGTAATAAGGATCCATGGCAATGATCTTGAGAA[C>T]CATTTCTGCTGTGAAAATCCCAGTAAAGACCTAAAAAATAGAGATCAGCACTACTTCAAG-3'
Protein context (NP_008853.3, residues 798-818): VFTGIFTAEM[Val808Ile]LKIIAMDPYY